The following is an entry in ClinVar:

ClinVar aggregate classification (germline): Uncertain significance (1 of 4 stars; one submission).

Conditions:
Cardiovascular phenotype. Identifiers: MedGen CN230736.

gnomAD v4.1: 5 of 1,613,934 alleles (0.00031%); highest among the groups gnomAD compares: African/African-American, 0.0053%; no homozygotes.

Submission:

Ambry Genetics
Classification: Uncertain significance for Cardiovascular phenotype. Last evaluated: 2024-11-05. Review status: criteria provided, single submitter. Criteria: Ambry Variant Classification Scheme 2023. Collection method: clinical testing. Allele origin: germline.
Comment: The p.G1529V variant (also known as c.4586G>T), located in coding exon 26 of the APOB gene, results from a G to T substitution at nucleotide position 4586. The glycine at codon 1529 is replaced by valine, an amino acid with dissimilar properties. This amino acid position is conserved. In addition, this alteration is predicted to be tolerated by in silico analysis. Based on the available evidence, the clinical significance of this variant remains unclear.

NM_000384.3(APOB):c.4586G>T (p.Gly1529Val)

Gene: APOB (apolipoprotein B; minus strand). Cytogenetic location: 2p24.1.
Variant type: single nucleotide variant.
Coding change: c.4586G>T on transcript NM_000384.3 (MANE Select); coding-DNA position 4586, G replaced by T.
Protein change: p.Gly1529Val; replaces glycine 1529 with valine.
Molecular consequence: missense variant.
Genome position (GRCh38, 1-based): chr2:21,012,282, C>A on the plus strand (G>T on the coding strand, the complement: APOB is on the minus strand). VCF-style: chr2-21012282-C-A. GRCh37 (hg19) VCF-style: chr2-21235154-C-A.
Other names: short protein forms G1529V.
Identifiers: ClinVar variation 3416366 (VCV003416366.1).